The following is an entry in ClinVar:

NM_000540.3(RYR1):c.13554A>G (p.Thr4518=)

Gene: RYR1 (ryanodine receptor 1; plus strand). Cytogenetic location: 19q13.2.
Variant type: single nucleotide variant.
Coding change: c.13554A>G on transcript NM_000540.3 (MANE Select); coding-DNA position 13554, A replaced by G.
Protein change: p.Thr4518=; no amino-acid change (threonine 4518 retained).
Molecular consequence: synonymous variant.
Genome position (GRCh38, 1-based): chr19:38,567,812, A>G. VCF-style: chr19-38567812-A-G. GRCh37 (hg19) VCF-style: chr19-39058452-A-G.
Other names: c.13539A>G, p.Thr4513= (NM_001042723.2).
Identifiers: ClinVar variation 2882857 (VCV002882857.4), dbSNP rs776486942, ClinGen allele CA060150.

ClinVar aggregate classification (germline): Likely benign. Review status: criteria provided, multiple submitters, no conflicts (2 of 4 stars). 2 submissions from 2 submitters: Likely benign (2). Last evaluated 2024-02-22.

Conditions:
Malignant hyperthermia, susceptibility to, 1 (MHS1). Also called: Anesthesia related hyperthermia; Malignant hyperpyrexia; Fulminating hyperpyrexia; Pharmacogenic myopathy; RYR1-Related Malignant Hyperthermia Susceptibility; Malignant hyperthermia suceptibility 1. Identifiers: Orphanet 423, MedGen C2930980, MONDO:0007783, OMIM 145600.
RYR1-related disorder. Also called: RYR1-related condition; RYR1-related disorders. Identifiers: MedGen CN239331.

Allele frequency attached by ClinVar (database versions not stated): gnomAD exomes below 0.00001; ExAC 0.00001.

Submissions (2):

All of Us Research Program, National Institutes of Health
Classification: Likely benign for Malignant hyperthermia, susceptibility to, 1. Last evaluated: 2024-02-22. Review status: criteria provided, single submitter. Criteria: ACMG Guidelines, 2015. Collection method: clinical testing. Allele origin: germline. Inheritance: Autosomal dominant inheritance. Observed: 1 variant allele, 1 heterozygote.
Comment: This study involves interpretation of variants in research participants for the purpose of population health screening. Participant phenotype was not available at the time of variant classification. Additional details can be found in publication PMID: 35346344, PMCID: PMC8962531

Labcorp Genetics (formerly Invitae), Labcorp
Classification: Likely benign for RYR1-related disorder. Last evaluated: 2023-04-20. Review status: criteria provided, single submitter. Criteria: Invitae Variant Classification Sherloc (09022015). Collection method: clinical testing. Allele origin: germline.